The following is an entry in ClinVar:

NM_178013.4(PRIMA1):c.272C>G (p.Ser91Trp)

Gene: PRIMA1 (proline rich membrane anchor 1; minus strand). Cytogenetic location: 14q32.12.
Variant type: single nucleotide variant.
Coding change: c.272C>G on transcript NM_178013.4 (MANE Select); coding-DNA position 272, C replaced by G.
Protein change: p.Ser91Trp; replaces serine 91 with tryptophan.
Molecular consequence: missense variant.
Genome position (GRCh38, 1-based): chr14:93,737,328, G>C on the plus strand (C>G on the coding strand, the complement: PRIMA1 is on the minus strand). VCF-style: chr14-93737328-G-C. GRCh37 (hg19) VCF-style: chr14-94203674-G-C.
Other names: short protein forms S91W.
Identifiers: ClinVar variation 1345325 (VCV001345325.8), dbSNP rs1461678706, ClinGen allele CA390821260.

ClinVar aggregate classification (germline): Uncertain significance (1 of 4 stars; one submission).

Conditions:
Familial sleep-related hypermotor epilepsy. Also called: Autosomal Dominant Sleep-Related Hypermotor (Hyperkinetic) Epilepsy. Identifiers: Orphanet 98784, MedGen C3696898, MONDO:0000030.

Allele frequency attached by ClinVar (database versions not stated): gnomAD 0.00001.
gnomAD v4.1: 2 of 1,614,010 alleles (0.00012%); highest among the groups gnomAD compares: Non-Finnish European, 0.00017%; no homozygotes.

Submission:

Labcorp Genetics (formerly Invitae), Labcorp
Classification: Uncertain significance for Familial sleep-related hypermotor epilepsy. Last evaluated: 2021-04-14. Review status: criteria provided, single submitter. Criteria: Invitae Variant Classification Sherloc (09022015). Collection method: clinical testing. Allele origin: germline.
Comment: This variant has not been reported in the literature in individuals with PRIMA1-related conditions. Algorithms developed to predict the effect of missense changes on protein structure and function are either unavailable or do not agree on the potential impact of this missense change (SIFT: "Deleterious"; PolyPhen-2: "Probably Damaging"; Align-GVGD: "Class C15"). In summary, the available evidence is currently insufficient to determine the role of this variant in disease. Therefore, it has been classified as a Variant of Uncertain Significance. This sequence change replaces serine with tryptophan at codon 91 of the PRIMA1 protein (p.Ser91Trp). The serine residue is moderately conserved and there is a large physicochemical difference between serine and tryptophan. This variant is not present in population databases (ExAC no frequency).